The following is an entry in ClinVar:

ClinVar aggregate classification (germline): Uncertain significance (1 of 4 stars; one submission).

Conditions:
Fanconi anemia (FA). Also called: Fanconi's anemia. Identifiers: Orphanet 84, MedGen C0015625, MeSH D005199, MONDO:0019391.

gnomAD v4.1: 1 of 1,608,556 alleles (0.000062%); highest among the groups gnomAD compares: Non-Finnish European, 0.000085%; no homozygotes.

Submission:

Labcorp Genetics (formerly Invitae), Labcorp
Classification: Uncertain significance for Fanconi anemia. Last evaluated: 2024-12-22. Review status: criteria provided, single submitter. Criteria: Invitae Variant Classification Sherloc (09022015). Collection method: clinical testing. Allele origin: germline.
Comment: This sequence change replaces serine, which is neutral and polar, with phenylalanine, which is neutral and non-polar, at codon 1996 of the FANCM protein (p.Ser1996Phe). This variant is not present in population databases (gnomAD no frequency). This variant has not been reported in the literature in individuals affected with FANCM-related conditions. An algorithm developed to predict the effect of missense changes on protein structure and function (PolyPhen-2) suggests that this variant is likely to be disruptive. In summary, the available evidence is currently insufficient to determine the role of this variant in disease. Therefore, it has been classified as a Variant of Uncertain Significance.

NM_020937.4(FANCM):c.5987C>T (p.Ser1996Phe)

Gene: FANCM (FA complementation group M; plus strand). Cytogenetic location: 14q21.2.
Variant type: single nucleotide variant.
Coding change: c.5987C>T on transcript NM_020937.4 (MANE Select); coding-DNA position 5987, C replaced by T.
Protein change: p.Ser1996Phe; replaces serine 1996 with phenylalanine.
Molecular consequence: missense variant.
Genome position (GRCh38, 1-based): chr14:45,198,914, C>T. VCF-style: chr14-45198914-C-T. GRCh37 (hg19) VCF-style: chr14-45668117-C-T.
Other names: c.5909C>T, p.Ser1970Phe (NM_001308133.2); short protein forms S1996F, S1970F.
Identifiers: ClinVar variation 3719900 (VCV003719900.2).